The following is an entry in ClinVar:

NM_001127208.3(TET2):c.3896A>C (p.Lys1299Thr)

Genes: TET2 (tet methylcytosine dioxygenase 2; plus strand), TET2-AS1 (TET2 antisense RNA 1; minus strand). Cytogenetic location: 4q24.
Variant type: single nucleotide variant.
Coding change: c.3896A>C on transcript NM_001127208.3 (MANE Select); coding-DNA position 3896, A replaced by C.
Protein change: p.Lys1299Thr; replaces lysine 1299 with threonine.
Molecular consequence: missense variant.
Genome position (GRCh38, 1-based): chr4:105,259,711, A>C. VCF-style: chr4-105259711-A-C. GRCh37 (hg19) VCF-style: chr4-106180868-A-C.
Other names: short protein forms K1299T.
Identifiers: ClinVar variation 2830520 (VCV002830520.3), dbSNP rs894825006, ClinGen allele CA102770092.
Genomic context (GRCh38, chr4:105,259,711, plus strand): 5'-AAACCTGTGGTGCCTCCTTCTCTTTTGGTTGTTCATGGAGCATGTACTACAATGGATGTA[A>C]GTTTGCCAGAAGCAAGATCCCAAGGAAGTTTAAGCTGCTTGGGGATGACCCAAAAGAGGT-3'
Protein context (NP_001120680.1, residues 1289-1309): CSWSMYYNGC[Lys1299Thr]FARSKIPRKF

ClinVar aggregate classification (germline): Uncertain significance (1 of 4 stars; one submission).

gnomAD v4.1: 1 of 1,551,134 alleles (0.000064%); highest among the groups gnomAD compares: Non-Finnish European, 0.000087%; no homozygotes.

Submission:

Labcorp Genetics (formerly Invitae), Labcorp
Classification: Uncertain significance. Last evaluated: 2023-01-25. Review status: criteria provided, single submitter. Criteria: Invitae Variant Classification Sherloc (09022015). Collection method: clinical testing. Allele origin: germline.
Comment: In summary, the available evidence is currently insufficient to determine the role of this variant in disease. Therefore, it has been classified as a Variant of Uncertain Significance. Algorithms developed to predict the effect of sequence changes on RNA splicing suggest that this variant may disrupt the consensus splice site. Algorithms developed to predict the effect of missense changes on protein structure and function are either unavailable or do not agree on the potential impact of this missense change (SIFT: "Deleterious"; PolyPhen-2: "Probably Damaging"; Align-GVGD: "Class C0"). This variant has not been reported in the literature in individuals affected with TET2-related conditions. This variant is not present in population databases (gnomAD no frequency). This sequence change replaces lysine, which is basic and polar, with threonine, which is neutral and polar, at codon 1299 of the TET2 protein (p.Lys1299Thr).